The following is an entry in ClinVar:

ClinVar aggregate classification (germline): Pathogenic (1 of 4 stars; one submission).

Submission:

Labcorp Genetics (formerly Invitae), Labcorp
Classification: Pathogenic. Last evaluated: 2025-03-31. Review status: criteria provided, single submitter. Criteria: Invitae Variant Classification Sherloc (09022015). Collection method: clinical testing. Allele origin: germline.
Comment: This sequence change creates a premature translational stop signal (p.His10Thrfs*8) in the CDH23 gene. It is expected to result in an absent or disrupted protein product. Loss-of-function variants in CDH23 are known to be pathogenic (PMID: 11138009, 21940737). This variant is not present in population databases (gnomAD no frequency). This variant has not been reported in the literature in individuals affected with CDH23-related conditions. For these reasons, this variant has been classified as Pathogenic.

Literature cited by the submitters: PubMed 11138009; PubMed 21940737.

NM_022124.6(CDH23):c.28del (p.His10fs)

Gene: CDH23 (cadherin related 23; plus strand). Cytogenetic location: 10q22.1.
Variant type: Deletion.
Coding change: c.28del on transcript NM_022124.6 (MANE Select); coding-DNA position 28, one base deleted (C; older notation c.28delC).
Protein change: p.His10fs; shifts the reading frame from histidine 10.
Molecular consequence: frameshift variant.
Genome position (GRCh38, 1-based): chr10:71,439,859, C deleted; the last of 2 consecutive C bases (chr10:71,439,858-71,439,859); deleting either gives the same sequence. VCF-style (leftmost placement, unchanged base first): chr10-71439857-GC-G. GRCh37 (hg19) VCF-style: chr10-73199614-GC-G.
Other names: c.28del, p.His10fs (NM_001171930.2, NM_001171931.2, NM_001171932.2 and 1 more transcripts); short protein forms H10fs.
Identifiers: ClinVar variation 4716438 (VCV004716438.1).
Genomic context (GRCh38, chr10:71,439,857, plus strand): 5'-TCACCCTCTTCTCTTTCTTTGTGTCCCCAGGAGCCATGGGGCGCCATGTTGCCACCAGCT[GC>G]CACGTGGCCTGGCTTTTGGTGCTGATCTCTGGATGCTGGGGTAAGTCCAGTCCTCCCCGT-3'